The following is an entry in ClinVar:

ClinVar aggregate classification (germline): Uncertain significance (1 of 4 stars; one submission).

Conditions:
Biotinidase deficiency. Also called: BTD deficiency; Late-onset biotin-responsive multiple carboxylase deficiency; Biotin deficiency. Identifiers: Orphanet 79241, MedGen C0220754, MONDO:0009665, OMIM 253260.

Allele frequency attached by ClinVar (database versions not stated): gnomAD 0.00003; TOPMed 0.00003; ESP Exome Variant Server 0.00008; ExAC 0.00012; 1000 Genomes Project 30x 0.00047; 1000 Genomes Project 0.00060.
gnomAD v4.1: 121 of 1,614,172 alleles (0.0075%); highest among the groups gnomAD compares: South Asian, 0.083%; 1 homozygote.

Submission:

Labcorp Genetics (formerly Invitae), Labcorp
Classification: Uncertain significance for Biotinidase deficiency. Last evaluated: 2022-08-22. Review status: criteria provided, single submitter. Criteria: Invitae Variant Classification Sherloc (09022015). Collection method: clinical testing. Allele origin: germline.
Comment: This sequence change replaces threonine, which is neutral and polar, with methionine, which is neutral and non-polar, at codon 479 of the BTD protein (p.Thr479Met). This variant is present in population databases (rs142249642, gnomAD 0.08%). This variant has not been reported in the literature in individuals affected with BTD-related conditions. Algorithms developed to predict the effect of missense changes on protein structure and function (SIFT, PolyPhen-2, Align-GVGD) all suggest that this variant is likely to be tolerated. In summary, the available evidence is currently insufficient to determine the role of this variant in disease. Therefore, it has been classified as a Variant of Uncertain Significance.

NM_001370658.1(BTD):c.1376C>T (p.Thr459Met)

Gene: BTD (biotinidase; plus strand). Cytogenetic location: 3p25.1.
Variant type: single nucleotide variant.
Coding change: c.1376C>T on transcript NM_001370658.1 (MANE Select); coding-DNA position 1376, C replaced by T.
Protein change: p.Thr459Met; replaces threonine 459 with methionine.
Molecular consequence: missense variant. On other transcripts: intron variant (2).
Genome position (GRCh38, 1-based): chr3:15,645,292, C>T. VCF-style: chr3-15645292-C-T. GRCh37 (hg19) VCF-style: chr3-15686799-C-T.
Other names: c.1436C>T, p.Thr479Met (NM_000060.4); c.1376C>T, p.Thr459Met (NM_001281723.4, NM_001281724.3, NM_001281725.3 and 16 more transcripts); c.1015+361C>T (NM_001370752.1); c.399+3235C>T (NM_001370753.1); short protein forms T459M, T479M.
Identifiers: ClinVar variation 2058349 (VCV002058349.1), dbSNP rs142249642, ClinGen allele CA2277475.